The following is an entry in ClinVar:

NM_016213.5(TRIP4):c.886C>T (p.Gln296Ter)

Gene: TRIP4 (thyroid hormone receptor interactor 4; plus strand). Cytogenetic location: 15q22.31.
Variant type: single nucleotide variant.
Coding change: c.886C>T on transcript NM_016213.5 (MANE Select); coding-DNA position 886, C replaced by T.
Protein change: p.Gln296Ter; replaces glutamine 296 with a stop codon.
Molecular consequence: nonsense. On other transcripts: non-coding transcript variant (1).
Genome position (GRCh38, 1-based): chr15:64,409,671, C>T. VCF-style: chr15-64409671-C-T. GRCh37 (hg19) VCF-style: chr15-64701870-C-T.
Other names: c.196C>T, p.Gln66Ter (NM_001321924.2); short protein forms Q296*, Q66*.
Identifiers: ClinVar variation 3775196 (VCV003775196.1).

ClinVar aggregate classification (germline): Likely pathogenic (1 of 4 stars; one submission).

Conditions:
Spinal muscular atrophy with congenital bone fractures 1 (SMABF1). Also called: SMA1 with congenital bone fractures. Identifiers: MedGen C4225177, MONDO:0014806, OMIM 616866.

Submission:

3billion
Classification: Likely pathogenic for Spinal muscular atrophy with congenital bone fractures 1. Last evaluated: 2023-10-20. Review status: criteria provided, single submitter. Criteria: ACMG Guidelines, 2015. Collection method: clinical testing. Allele origin: germline. Affected: yes.
Comment: The variant is not observed in the gnomAD v2.1.1 dataset. Predicted Consequence/Location: Stop-gained (nonsense): predicted to result in a loss or disruption of normal protein function through nonsense-mediated decay (NMD) or protein truncation. Multiple pathogenic variants are reported downstream of the variant. Therefore, this variant is classified as Likely pathogenic according to the recommendation of ACMG/AMP guideline.